The following is an entry in ClinVar:

NM_000548.5(TSC2):c.4331C>G (p.Pro1444Arg)

Gene: TSC2 (TSC complex subunit 2; plus strand). Cytogenetic location: 16p13.3.
Variant type: single nucleotide variant.
Coding change: c.4331C>G on transcript NM_000548.5 (MANE Select); coding-DNA position 4331, C replaced by G.
Protein change: p.Pro1444Arg; replaces proline 1444 with arginine.
Molecular consequence: missense variant. On other transcripts: non-coding transcript variant (5).
Genome position (GRCh38, 1-based): chr16:2,084,553, C>G. VCF-style: chr16-2084553-C-G. GRCh37 (hg19) VCF-style: chr16-2134554-C-G.
Other names: c.4130C>G, p.Pro1377Arg (NM_001077183.3); c.4262C>G, p.Pro1421Arg (NM_001114382.3); c.4022C>G, p.Pro1341Arg (NM_001318827.2); c.3986C>G, p.Pro1329Arg (NM_001318829.2); c.3599C>G, p.Pro1200Arg (NM_001318831.2); c.4163C>G, p.Pro1388Arg (NM_001318832.2); c.4133C>G, p.Pro1378Arg (NM_001363528.2); c.4199C>G, p.Pro1400Arg (NM_001370404.1); and 26 more; short protein forms P1177R, P1220R, P1340R, P1341R, P1358R, P1371R, P1374R, P1418R.
Identifiers: ClinVar variation 5031364 (VCV005031364.1).

ClinVar aggregate classification (germline): Uncertain significance (1 of 4 stars; one submission).

Conditions:
Hereditary cancer-predisposing syndrome. Also called: Neoplastic Syndromes, Hereditary; Tumor predisposition; Hereditary neoplastic syndrome; Hereditary Cancer Syndrome. Identifiers: Orphanet 140162, MedGen C0027672, MeSH D009386, MONDO:0015356.

Submission:

Ambry Genetics
Classification: Uncertain significance for Hereditary cancer-predisposing syndrome. Last evaluated: 2026-07-18. Review status: criteria provided, single submitter. Criteria: Ambry Variant Classification Scheme 2023. Collection method: clinical testing. Allele origin: germline.
Comment: The p.P1444R variant (also known as c.4331C>G), located in coding exon 33 of the TSC2 gene, results from a C to G substitution at nucleotide position 4331. The proline at codon 1444 is replaced by arginine, an amino acid with dissimilar properties. This amino acid position is conserved. In addition, the in silico prediction for this alteration is inconclusive. Based on the available evidence, the clinical significance of this variant remains unclear.